The following is an entry in ClinVar:

ClinVar aggregate classification (germline): Uncertain significance (1 of 4 stars; one submission).

Conditions:
Tumor predisposition syndrome 3 (TPDS3). Also called: Melanoma, cutaneous malignant, susceptibility to, 10; Glioma susceptibility 9; LONG TELOMERE SYNDROME, POT1-RELATED; POT1 Tumor Predisposition. Identifiers: Orphanet 618, MedGen C4014476, MONDO:0014368, OMIM 615848.

Submission:

Labcorp Genetics (formerly Invitae), Labcorp
Classification: Uncertain significance for Tumor predisposition syndrome 3. Last evaluated: 2025-10-13. Review status: criteria provided, single submitter. Criteria: Invitae Variant Classification Sherloc (09022015). Collection method: clinical testing. Allele origin: germline.
Comment: This sequence change replaces threonine, which is neutral and polar, with serine, which is neutral and polar, at codon 545 of the POT1 protein (p.Thr545Ser). This variant is not present in population databases (gnomAD no frequency). This variant has not been reported in the literature in individuals affected with POT1-related conditions. Invitae Evidence Modeling of protein sequence and biophysical properties (such as structural, functional, and spatial information, amino acid conservation, physicochemical variation, residue mobility, and thermodynamic stability) indicates that this missense variant is not expected to disrupt POT1 protein function with a negative predictive value of 80%. In summary, the available evidence is currently insufficient to determine the role of this variant in disease. Therefore, it has been classified as a Variant of Uncertain Significance.

NM_015450.3(POT1):c.1633A>T (p.Thr545Ser)

Gene: POT1 (protection of telomeres 1; minus strand). Cytogenetic location: 7q31.33.
Variant type: single nucleotide variant.
Coding change: c.1633A>T on transcript NM_015450.3 (MANE Select); coding-DNA position 1633, A replaced by T.
Protein change: p.Thr545Ser; replaces threonine 545 with serine.
Molecular consequence: missense variant. On other transcripts: non-coding transcript variant (3).
Genome position (GRCh38, 1-based): chr7:124,827,267, T>A on the plus strand (A>T on the coding strand, the complement: POT1 is on the minus strand). VCF-style: chr7-124827267-T-A. GRCh37 (hg19) VCF-style: chr7-124467321-T-A.
Other names: c.1240A>T, p.Thr414Ser (NM_001042594.2); short protein forms T414S, T545S.
Identifiers: ClinVar variation 4741136 (VCV004741136.1).